The following is an entry in ClinVar:

NM_018429.3(BDP1):c.7473G>A (p.Ser2491=)

Gene: BDP1 (BDP1 general transcription factor IIIB subunit; plus strand). Cytogenetic location: 5q13.2.
Variant type: single nucleotide variant.
Coding change: c.7473G>A on transcript NM_018429.3 (MANE Select); coding-DNA position 7473, G replaced by A.
Protein change: p.Ser2491=; no amino-acid change (serine 2491 retained).
Molecular consequence: synonymous variant.
Genome position (GRCh38, 1-based): chr5:71,560,214, G>A. VCF-style: chr5-71560214-G-A. GRCh37 (hg19) VCF-style: chr5-70856041-G-A.
Identifiers: ClinVar variation 4983199 (VCV004983199.1).

ClinVar aggregate classification (germline): Likely benign (1 of 4 stars; one submission).

Conditions:
BDP1-related disorder. Also called: BDP1-related condition.

gnomAD v4.1: 289 of 1,613,934 alleles (0.018%); highest among the groups gnomAD compares: Admixed American, 0.03%; no homozygotes.

Submission:

PreventionGenetics, part of Exact Sciences
Classification: Likely benign for BDP1-related condition. Last evaluated: 2026-02-21. Review status: criteria provided, single submitter. Criteria: ACMG Guidelines, 2015. Collection method: clinical testing. Allele origin: germline.
Comment: This variant is classified as likely benign based on ACMG/AMP sequence variant interpretation guidelines (Richards et al. 2015 PMID: 25741868, with internal and published modifications).